The following is an entry in ClinVar:

ClinVar aggregate classification (germline): Uncertain significance (1 of 4 stars; one submission).

gnomAD v4.1: 5 of 1,614,106 alleles (0.00031%); highest among the groups gnomAD compares: Non-Finnish European, 0.00042%; no homozygotes.

Submission:

Labcorp Genetics (formerly Invitae), Labcorp
Classification: Uncertain significance. Last evaluated: 2026-02-01. Review status: criteria provided, single submitter. Criteria: Invitae Variant Classification Sherloc (09022015). Collection method: clinical testing. Allele origin: germline.
Comment: This sequence change replaces serine, which is neutral and polar, with proline, which is neutral and non-polar, at codon 523 of the IRF2BP2 protein (p.Ser523Pro). This variant is present in population databases (no rsID available, gnomAD 0.002%). This variant has not been reported in the literature in individuals affected with IRF2BP2-related conditions. An algorithm developed to predict the effect of missense changes on protein structure and function (PolyPhen-2) suggests that this variant is likely to be disruptive. In summary, the available evidence is currently insufficient to determine the role of this variant in disease. Therefore, it has been classified as a Variant of Uncertain Significance.

NM_182972.3(IRF2BP2):c.1567T>C (p.Ser523Pro)

Gene: IRF2BP2 (interferon regulatory factor 2 binding protein 2; minus strand). Cytogenetic location: 1q42.3.
Variant type: single nucleotide variant.
Coding change: c.1567T>C on transcript NM_182972.3 (MANE Select); coding-DNA position 1567, T replaced by C.
Protein change: p.Ser523Pro; replaces serine 523 with proline.
Molecular consequence: missense variant.
Genome position (GRCh38, 1-based): chr1:234,607,334, A>G on the plus strand (T>C on the coding strand, the complement: IRF2BP2 is on the minus strand). VCF-style: chr1-234607334-A-G. GRCh37 (hg19) VCF-style: chr1-234743080-A-G.
Other names: c.1519T>C, p.Ser507Pro (NM_001077397.1); short protein forms S507P, S523P.
Identifiers: ClinVar variation 4753247 (VCV004753247.1).